The following is an entry in ClinVar:

NM_022455.5(NSD1):c.6424T>G (p.Tyr2142Asp)

Gene: NSD1 (nuclear receptor binding SET domain protein 1; plus strand). Cytogenetic location: 5q35.3.
Variant type: single nucleotide variant.
Coding change: c.6424T>G on transcript NM_022455.5 (MANE Select); coding-DNA position 6424, T replaced by G.
Protein change: p.Tyr2142Asp; replaces tyrosine 2142 with aspartic acid.
Molecular consequence: missense variant.
Genome position (GRCh38, 1-based): chr5:177,292,119, T>G. VCF-style: chr5-177292119-T-G. GRCh37 (hg19) VCF-style: chr5-176719120-T-G.
Other names: c.5551T>G, p.Tyr1851Asp (NM_001365684.2, NM_001409308.1, NM_172349.5); c.6424T>G, p.Tyr2142Asp (NM_001409301.1, NM_001409302.1, NM_001409303.1); c.6004T>G, p.Tyr2002Asp (NM_001409304.1); c.5671T>G, p.Tyr1891Asp (NM_001409305.1); c.5662T>G, p.Tyr1888Asp (NM_001409306.1, NM_001409307.1); c.5302T>G, p.Tyr1768Asp (NM_001409309.1); short protein forms Y2142D, Y1873D, Y1888D, Y1768D, Y1891D, Y2002D, Y1851D.
Identifiers: ClinVar variation 575812 (VCV000575812.10), dbSNP rs1562305920, ClinGen allele CA362320967.

ClinVar aggregate classification (germline): Likely pathogenic (1 of 4 stars; one submission).

Submission:

Labcorp Genetics (formerly Invitae), Labcorp
Classification: Likely pathogenic. Last evaluated: 2020-02-18. Review status: criteria provided, single submitter. Criteria: Invitae Variant Classification Sherloc (09022015). Collection method: clinical testing. Allele origin: germline.
Comment: This sequence change replaces tyrosine with aspartic acid at codon 2142 of the NSD1 protein (p.Tyr2142Asp). The tyrosine residue is highly conserved and there is a large physicochemical difference between tyrosine and aspartic acid. This variant is not present in population databases (ExAC no frequency). This variant has been observed to be de novo in individuals affected with Sotos syndrome (Invitae). Algorithms developed to predict the effect of missense changes on protein structure and function do not agree on the potential impact of this missense change (SIFT: "Tolerated"; PolyPhen-2: "Probably Damaging"; Align-GVGD: "Class C0"). A different missense substitution at this codon (p.Tyr2142Asn) has been reported in an individual affected with Sotos syndrome (PMID: 28475857, 15942875, 21972110). In summary, the currently available evidence indicates that the variant is pathogenic, but additional data are needed to prove that conclusively. Therefore, this variant has been classified as Likely Pathogenic.

Literature cited by the submitters: PubMed 28475857; PubMed 15942875; PubMed 21972110.